The following is an entry in ClinVar:

ClinVar aggregate classification (germline): Benign. Review status: criteria provided, multiple submitters, no conflicts (2 of 4 stars). 2 submissions from 2 submitters: Benign (2). Last evaluated 2018-01-12.

Conditions:
Dilated cardiomyopathy 3B (CMD3B). Also called: CMD3B: DMD-Related Dilated Cardiomyopathy; CARDIOMYOPATHY, DILATED, X-LINKED; DMD-Associated Dilated Cardiomyopathy. Identifiers: Orphanet 154, MedGen C3668940, MONDO:0010542, OMIM 302045.

Allele frequency attached by ClinVar (database versions not stated): gnomAD 0.01350 and 0.01412; TOPMed 0.01583; 1000 Genomes Project 30x 0.01831; 1000 Genomes Project 0.01881.

Submissions (2):

Illumina Laboratory Services, Illumina
Classification: Benign for Dilated cardiomyopathy 3B. Last evaluated: 2018-01-12. Review status: criteria provided, single submitter. Criteria: ICSL Variant Classification Criteria 13 December 2019. Collection method: clinical testing. Allele origin: germline.
Comment: This variant was observed in the ICSL laboratory as part of a predisposition screen in an ostensibly healthy population. It had not been previously curated by ICSL or reported in the Human Gene Mutation Database (HGMD: prior to June 1st, 2018), and was therefore a candidate for classification through an automated scoring system. Utilizing variant allele frequency, disease prevalence and penetrance estimates, and inheritance mode, an automated score was calculated to assess if this variant is too frequent to cause the disease. Based on the score and internal cut-off values, a variant classified as benign is not then subjected to further curation. The score for this variant resulted in a classification of benign for this disease.

Breakthrough Genomics
Classification: Benign. Review status: criteria provided, single submitter. Criteria: ACMG Guidelines, 2015. Collection method: not provided. Allele origin: germline. Inheritance: X-linked inheritance. Affected: yes.

NM_004006.3(DMD):c.*1638A>G

Gene: DMD (dystrophin; minus strand). Cytogenetic location: Xp21.2.
Variant type: single nucleotide variant.
Coding change: c.*1638A>G on transcript NM_004006.3 (MANE Select); 1638 bases downstream of the stop codon, A replaced by G.
Molecular consequence: 3 prime UTR variant.
Genome position (GRCh38, 1-based): chrX:31,120,281, T>C on the plus strand (A>G on the coding strand, the complement: DMD is on the minus strand). VCF-style: chrX-31120281-T-C. GRCh37 (hg19) VCF-style: chrX-31138398-T-C.
Other names: c.*1638A>G (NM_000109.4, NM_004009.3, NM_004010.3 and 7 more transcripts); c.*1552A>G (NM_004016.3, NM_004018.3, NM_004021.3 and 2 more transcripts).
Identifiers: ClinVar variation 368208 (VCV000368208.6), dbSNP rs142520583, ClinGen allele CA10646110.